The following is an entry in ClinVar:

ClinVar aggregate classification (germline): Pathogenic (1 of 4 stars; one submission).

Conditions:
Nonsyndromic congenital nail disorder 4 (NDNC4). Also called: ANONYCHIA/HYPONYCHIA CONGENITA; ANONYCHIA TOTALIS. Identifiers: Orphanet 79143, Orphanet 94150, MedGen C3277900, MONDO:0008798, OMIM 206800.

Submission:

MVZ Medizinische Genetik Mainz
Classification: Pathogenic for Nonsyndromic congenital nail disorder 4. Last evaluated: 2024-04-23. Review status: criteria provided, single submitter. Criteria: UK Practice Guidelines For Variant Classification V4 01 2020. Collection method: clinical testing. Allele origin: germline. Inheritance: Autosomal recessive inheritance. Affected: yes. Observed: 1 variant allele.
Comment: ACMG Criteria: PVS1,PM2_SUP,PM3_SUP,PP4; Compound Heterozygote

NM_001029871.4(RSPO4):c.76_79del (p.Gln26fs)

Gene: RSPO4 (R-spondin 4; minus strand). Cytogenetic location: 20p13.
Variant type: Deletion.
Coding change: c.76_79del on transcript NM_001029871.4 (MANE Select); coding-DNA positions 76 to 79, 4 bases deleted (CAAG; older notation c.76_79delCAAG).
Protein change: p.Gln26fs; shifts the reading frame from glutamine 26.
Molecular consequence: frameshift variant.
Genome position (GRCh38, 1-based): chr20:1,002,086-1,002,089, CTTG deleted on the plus strand (CAAG on the coding strand, the reverse complement: RSPO4 is on the minus strand); deleting any 4 consecutive bases within chr20:1,002,086-1,002,092 gives the same sequence; the c. name uses the placement nearest the transcript's 3' end. VCF-style (leftmost placement, unchanged base first): chr20-1002085-CCTTG-C. GRCh37 (hg19) VCF-style: chr20-982728-CCTTG-C.
Other names: c.76_79del, p.Gln26fs (NM_001040007.3); short protein forms Q26fs.
Identifiers: ClinVar variation 3256888 (VCV003256888.1).